The following is an entry in ClinVar:

NM_000018.4(ACADVL):c.1258A>C (p.Ile420Leu)

Gene: ACADVL (acyl-CoA dehydrogenase very long chain; plus strand). Cytogenetic location: 17p13.1.
Variant type: single nucleotide variant.
Coding change: c.1258A>C on transcript NM_000018.4 (MANE Select); coding-DNA position 1258, A replaced by C.
Protein change: p.Ile420Leu; replaces isoleucine 420 with leucine.
Molecular consequence: missense variant.
Genome position (GRCh38, 1-based): chr17:7,223,719, A>C. VCF-style: chr17-7223719-A-C. GRCh37 (hg19) VCF-style: chr17-7127038-A-C.
Other names: c.1192A>C, p.Ile398Leu (NM_001033859.3); c.1327A>C, p.Ile443Leu (NM_001270447.2); c.1030A>C, p.Ile344Leu (NM_001270448.2); short protein forms I420L, I344L, I443L, I398L.
Identifiers: ClinVar variation 4710301 (VCV004710301.1).

ClinVar aggregate classification (germline): Uncertain significance (1 of 4 stars; one submission).

Conditions:
Very long chain acyl-CoA dehydrogenase deficiency (ACADVLD). Also called: Very Long-Chain Acyl-Coenzyme A Dehydrogenase Deficiency; VLCAD Deficiency. Identifiers: Orphanet 26793, MedGen C3887523, MONDO:0008723, OMIM 201475.

Submission:

Labcorp Genetics (formerly Invitae), Labcorp
Classification: Uncertain significance for Very long chain acyl-CoA dehydrogenase deficiency. Last evaluated: 2025-07-02. Review status: criteria provided, single submitter. Criteria: Invitae Variant Classification Sherloc (09022015). Collection method: clinical testing. Allele origin: germline.
Comment: This sequence change replaces isoleucine, which is neutral and non-polar, with leucine, which is neutral and non-polar, at codon 420 of the ACADVL protein (p.Ile420Leu). This variant is not present in population databases (gnomAD no frequency). This missense change has been observed in individual(s) with very long chain acyl-CoA dehydrogenase (VLCAD) deficiency (PMID: 23480858; internal data). Invitae Evidence Modeling of protein sequence and biophysical properties (such as structural, functional, and spatial information, amino acid conservation, physicochemical variation, residue mobility, and thermodynamic stability) indicates that this missense variant is not expected to disrupt ACADVL protein function with a negative predictive value of 80%. Experimental studies have shown that this missense change affects ACADVL function (PMID: 23480858, 35218577). In summary, the available evidence is currently insufficient to determine the role of this variant in disease. Therefore, it has been classified as a Variant of Uncertain Significance.

Literature cited by the submitters: PubMed 23480858; PubMed 35218577.